The following is an entry in ClinVar:

NM_001379200.1(TBX1):c.1252G>C (p.Glu418Gln)

Gene: TBX1 (T-box transcription factor 1; plus strand). Cytogenetic location: 22q11.21.
Variant type: single nucleotide variant.
Coding change: c.1252G>C on transcript NM_001379200.1 (MANE Select); coding-DNA position 1252, G replaced by C.
Protein change: p.Glu418Gln; replaces glutamic acid 418 with glutamine.
Molecular consequence: missense variant. On other transcripts: intron variant (2).
Genome position (GRCh38, 1-based): chr22:19,766,604, G>C. VCF-style: chr22-19766604-G-C. GRCh37 (hg19) VCF-style: chr22-19754127-G-C.
Other names: c.1225G>C, p.Glu409Gln (NM_080647.1); c.1009+602G>C (NM_005992.1, NM_080646.2); short protein forms E409Q, E418Q.
Identifiers: ClinVar variation 853008 (VCV000853008.13), dbSNP rs776268518, ClinGen allele CA10102686.

ClinVar aggregate classification (germline): Uncertain significance. Review status: criteria provided, multiple submitters, no conflicts (2 of 4 stars). 3 submissions from 3 submitters: Uncertain significance (3). Last evaluated 2024-12-27.

Conditions:
Cardiovascular phenotype. Identifiers: MedGen CN230736.
DiGeorge syndrome. Also called: THIRD AND FOURTH PHARYNGEAL POUCH SYNDROME; Catch22. Identifiers: Orphanet 567, MedGen C0012236, MONDO:0008564, OMIM 188400.
TBX1-related disorder. Also called: TBX1-Related Disorders; TBX1-related condition.

Allele frequency attached by ClinVar (database versions not stated): gnomAD exomes 0.00001 and 0.00010; ExAC 0.00004; TOPMed 0.00006; gnomAD 0.00007 and 0.00008.
gnomAD v4.1: 148 of 1,508,726 alleles (0.0098%); highest among the groups gnomAD compares: Non-Finnish European, 0.013%; no homozygotes.

Submissions (3):

PreventionGenetics, part of Exact Sciences
Classification: Uncertain significance for TBX1-related condition. Last evaluated: 2024-12-27. Review status: criteria provided, single submitter. Criteria: ACMG Guidelines, 2015. Collection method: clinical testing. Allele origin: germline.
Comment: The TBX1 c.1225G>C variant is predicted to result in the amino acid substitution p.Glu409Gln. To our knowledge, this variant has not been reported in the literature. This variant is reported in 0.0040% of alleles in individuals of European (Non-Finnish) descent in gnomAD. At this time, the clinical significance of this variant is uncertain due to the absence of conclusive functional and genetic evidence.

Labcorp Genetics (formerly Invitae), Labcorp
Classification: Uncertain significance for DiGeorge syndrome. Last evaluated: 2024-11-05. Review status: criteria provided, single submitter. Criteria: Invitae Variant Classification Sherloc (09022015). Collection method: clinical testing. Allele origin: germline.
Comment: This sequence change replaces glutamic acid, which is acidic and polar, with glutamine, which is neutral and polar, at codon 409 of the TBX1 protein (p.Glu409Gln). This variant is present in population databases (rs776268518, gnomAD 0.004%). This variant has not been reported in the literature in individuals affected with TBX1-related conditions. ClinVar contains an entry for this variant (Variation ID: 853008). An algorithm developed to predict the effect of missense changes on protein structure and function (PolyPhen-2) suggests that this variant is likely to be disruptive. In summary, the available evidence is currently insufficient to determine the role of this variant in disease. Therefore, it has been classified as a Variant of Uncertain Significance.

Ambry Genetics
Classification: Uncertain significance for Cardiovascular phenotype. Last evaluated: 2024-04-20. Review status: criteria provided, single submitter. Criteria: Ambry Variant Classification Scheme 2023. Collection method: clinical testing. Allele origin: germline.
Comment: The p.E409Q variant (also known as c.1225G>C), located in coding exon 8 of the TBX1 gene, results from a G to C substitution at nucleotide position 1225. The glutamic acid at codon 409 is replaced by glutamine, an amino acid with highly similar properties. This amino acid position is conserved. In addition, this alteration is predicted to be tolerated by in silico analysis. Since supporting evidence is limited at this time, the clinical significance of this alteration remains unclear.